The following is an entry in ClinVar:

NM_001244008.2(KIF1A):c.2852T>C (p.Val951Ala)

Gene: KIF1A (kinesin family member 1A; minus strand). Cytogenetic location: 2q37.3.
Variant type: single nucleotide variant.
Coding change: c.2852T>C on transcript NM_001244008.2 (MANE Select); coding-DNA position 2852, T replaced by C.
Protein change: p.Val951Ala; replaces valine 951 with alanine.
Molecular consequence: missense variant. On other transcripts: intron variant (18).
Genome position (GRCh38, 1-based): chr2:240,757,325, A>G on the plus strand (T>C on the coding strand, the complement: KIF1A is on the minus strand). VCF-style: chr2-240757325-A-G. GRCh37 (hg19) VCF-style: chr2-241696742-A-G.
Other names: c.2555+1035T>C (NM_004321.8, NM_001379639.1, NM_001379649.1 and 6 more transcripts); c.2630+1035T>C (NM_001379637.1, NM_001379648.1); c.2582+1035T>C (NM_001320705.2, NM_001379638.1, NM_001330289.2); c.2657+1035T>C (NM_001330290.2, NM_001379646.1, NM_001379634.1 and 1 more transcripts); c.2927T>C, p.Val976Ala (NM_001379631.1); c.2801T>C, p.Val934Ala (NM_001379632.1); c.2825T>C, p.Val942Ala (NM_001379633.1, NM_001379642.1, NM_001379645.1); short protein forms V934A, V942A, V951A, V976A.
Identifiers: ClinVar variation 1708784 (VCV001708784.2), dbSNP rs2537503544, ClinGen allele CA351321018.
Genomic context (GRCh38, chr2:240,757,325, plus strand): 5'-TCCTGTGCAAAAGAGCTGGGTCCTCCCCAGCATGCTCTCCTCGACCTCACCAACCTTCCT[A>G]CTAAACTGAACAGGGGGGGCCGGTCGTAAAACGGGTCCCGGCCGTCGCACAGCGCGTGCT-3'
Protein context (NP_001230937.1, residues 941-961): FYDRPPLFSL[Val951Ala]GRAFVYLSNL

ClinVar aggregate classification (germline): Uncertain significance (1 of 4 stars; one submission).

Submission:

GeneDx
Classification: Uncertain significance. Last evaluated: 2022-04-08. Review status: criteria provided, single submitter. Criteria: GeneDx Variant Classification Process June 2021. Collection method: clinical testing. Allele origin: germline. Affected: yes.
Comment: Not observed at significant frequency in large population cohorts (gnomAD); In silico analysis supports a deleterious effect on splicing; Has not been previously published as pathogenic or benign to our knowledge